The following is an entry in ClinVar:

ClinVar aggregate classification (germline): Uncertain significance (1 of 4 stars; one submission).

Submission:

Ambry Genetics
Classification: Uncertain significance. Last evaluated: 2024-05-17. Review status: criteria provided, single submitter. Criteria: Ambry Variant Classification Scheme 2023. Collection method: clinical testing. Allele origin: germline.
Comment: The p.V102L variant (also known as c.304G>T), located in coding exon 3 of the RECQL gene, results from a G to T substitution at nucleotide position 304. The valine at codon 102 is replaced by leucine, an amino acid with highly similar properties. This amino acid position is not well conserved in available vertebrate species. In addition, this alteration is predicted to be tolerated by in silico analysis. The evidence for this gene-disease relationship is limited; therefore, the clinical significance of this alteration is unclear.

NM_002907.4(RECQL):c.304G>T (p.Val102Leu)

Gene: RECQL (RecQ like helicase; minus strand). Cytogenetic location: 12p12.1.
Variant type: single nucleotide variant.
Coding change: c.304G>T on transcript NM_002907.4 (MANE Select); coding-DNA position 304, G replaced by T.
Protein change: p.Val102Leu; replaces valine 102 with leucine.
Molecular consequence: missense variant.
Genome position (GRCh38, 1-based): chr12:21,490,289, C>A on the plus strand (G>T on the coding strand, the complement: RECQL is on the minus strand). VCF-style: chr12-21490289-C-A. GRCh37 (hg19) VCF-style: chr12-21643223-C-A.
Other names: c.304G>T, p.Val102Leu (NM_032941.3); short protein forms V102L.
Identifiers: ClinVar variation 3313514 (VCV003313514.1).